The following is an entry in ClinVar:

ClinVar aggregate classification (germline): Uncertain significance (1 of 4 stars; one submission).

Conditions:
Hereditary cancer-predisposing syndrome. Also called: Hereditary Cancer Syndrome; Hereditary neoplastic syndrome; Tumor predisposition; Neoplastic Syndromes, Hereditary. Identifiers: Orphanet 140162, MedGen C0027672, MeSH D009386, MONDO:0015356.

Submission:

Ambry Genetics
Classification: Uncertain significance for Hereditary cancer-predisposing syndrome. Last evaluated: 2024-07-08. Review status: criteria provided, single submitter. Criteria: Ambry Variant Classification Scheme 2023. Collection method: clinical testing. Allele origin: germline.
Comment: The p.S174I variant (also known as c.521G>T), located in coding exon 3 of the KIT gene, results from a G to T substitution at nucleotide position 521. The serine at codon 174 is replaced by isoleucine, an amino acid with dissimilar properties. This amino acid position is conserved. In addition, this alteration is predicted to be tolerated by in silico analysis. Based on the available evidence, the clinical significance of this variant remains unclear.

NM_000222.3(KIT):c.521G>T (p.Ser174Ile)

Gene: KIT (KIT proto-oncogene, receptor tyrosine kinase; plus strand). Cytogenetic location: 4q12.
Variant type: single nucleotide variant.
Coding change: c.521G>T on transcript NM_000222.3 (MANE Select); coding-DNA position 521, G replaced by T.
Protein change: p.Ser174Ile; replaces serine 174 with isoleucine.
Molecular consequence: missense variant.
Genome position (GRCh38, 1-based): chr4:54,698,467, G>T. VCF-style: chr4-54698467-G-T. GRCh37 (hg19) VCF-style: chr4-55564633-G-T.
Other names: c.521G>T, p.Ser174Ile (NM_001093772.2, NM_001385284.1, NM_001385285.1 and 4 more transcripts); short protein forms S174I.
Identifiers: ClinVar variation 3534696 (VCV003534696.1).
Genomic context (GRCh38, chr4:54,698,467, plus strand): 5'-AGCCTCTTCCCAAGGACTTGAGGTTTATTCCTGACCCCAAGGCGGGCATCATGATCAAAA[G>T]TGTGAAACGCGCCTACCATCGGCTCTGTCTGCATTGTTCTGTGGACCAGGAGGGCAAGTC-3'
Protein context (NP_000213.1, residues 164-184): PDPKAGIMIK[Ser174Ile]VKRAYHRLCL